The following is an entry in ClinVar:

NM_004204.5(PIGQ):c.1461C>T (p.Leu487=)

Gene: PIGQ (phosphatidylinositol glycan anchor biosynthesis class Q; plus strand). Cytogenetic location: 16p13.3.
Variant type: single nucleotide variant.
Coding change: c.1461C>T on transcript NM_004204.5 (MANE Select); coding-DNA position 1461, C replaced by T.
Protein change: p.Leu487=; no amino-acid change (leucine 487 retained).
Molecular consequence: synonymous variant.
Genome position (GRCh38, 1-based): chr16:580,902, C>T. VCF-style: chr16-580902-C-T. GRCh37 (hg19) VCF-style: chr16-630902-C-T.
Other names: c.1461C>T, p.Leu487= (NM_148920.4).
Identifiers: ClinVar variation 526282 (VCV000526282.16), dbSNP rs1045274, ClinGen allele CA7780305.

ClinVar aggregate classification (germline): Likely benign. Review status: criteria provided, multiple submitters, no conflicts (2 of 4 stars). 2 submissions from 2 submitters: Likely benign (2). Last evaluated 2025-06-01.

Conditions:
Epilepsy. Also called: Seizure disorder. Identifiers: MedGen C0014544, MeSH D004827, MONDO:0005027.

Allele frequency attached by ClinVar (database versions not stated): TOPMed 0.00004.
gnomAD v4.1: 86 of 1,604,836 alleles (0.0054%); highest among the groups gnomAD compares: Non-Finnish European, 0.0068%; no homozygotes.

Submissions (2):

CeGaT Center for Human Genetics Tuebingen
Classification: Likely benign. Last evaluated: 2025-06-01. Review status: criteria provided, single submitter. Criteria: CeGaT Center For Human Genetics Tuebingen Variant Classification Criteria Version 2. Collection method: clinical testing. Allele origin: germline. Affected: yes. Observed: 1 variant allele.
Comment: PIGQ: BP4, BP7

Labcorp Genetics (formerly Invitae), Labcorp
Classification: Likely benign for Epilepsy. Last evaluated: 2024-04-08. Review status: criteria provided, single submitter. Criteria: Invitae Variant Classification Sherloc (09022015). Collection method: clinical testing. Allele origin: germline.